The following is an entry in ClinVar:

ClinVar aggregate classification (germline): Uncertain significance (1 of 4 stars; one submission).

Submission:

Mayo Clinic Laboratories, Mayo Clinic
Classification: Uncertain significance. Last evaluated: 2022-06-08. Review status: criteria provided, single submitter. Criteria: ACMG Guidelines, 2015. Collection method: clinical testing. Allele origin: germline. Observed: 1 variant allele.
Comment: BP5, PM2

NM_000748.3(CHRNB2):c.1490C>G (p.Ser497Ter)

Gene: CHRNB2 (cholinergic receptor nicotinic beta 2 subunit; plus strand). Cytogenetic location: 1q21.3.
Variant type: single nucleotide variant.
Coding change: c.1490C>G on transcript NM_000748.3 (MANE Select); coding-DNA position 1490, C replaced by G.
Protein change: p.Ser497Ter; replaces serine 497 with a stop codon.
Molecular consequence: nonsense.
Genome position (GRCh38, 1-based): chr1:154,575,913, C>G. VCF-style: chr1-154575913-C-G. GRCh37 (hg19) VCF-style: chr1-154548389-C-G.
Other names: p.Ser497*; short protein forms S497*.
Identifiers: ClinVar variation 2682657 (VCV002682657.1), dbSNP rs2526384844, ClinGen allele CA342633354.
Genomic context (GRCh38, chr1:154,575,913, plus strand): 5'-TGTTCCTGCAGCCTCTCTTCCAGAACTACACCACCACCACCTTCCTCCACTCAGACCACT[C>G]AGCCCCCAGCTCCAAGTGAGGCCCTTCCTCATCTCCATGCTCTTTCACCCTGCCACCCTC-3'